The following is an entry in ClinVar:

NM_001374736.1(DST):c.14731C>A (p.Pro4911Thr)

Gene: DST (dystonin; minus strand). Cytogenetic location: 6p12.1.
Variant type: single nucleotide variant.
Coding change: c.14731C>A on transcript NM_001374736.1 (MANE Select); coding-DNA position 14731, C replaced by A.
Protein change: p.Pro4911Thr; replaces proline 4911 with threonine.
Molecular consequence: missense variant.
Genome position (GRCh38, 1-based): chr6:56,555,750, G>T on the plus strand (C>A on the coding strand, the complement: DST is on the minus strand). VCF-style: chr6-56555750-G-T. GRCh37 (hg19) VCF-style: chr6-56420548-G-T.
Other names: c.8374C>A, p.Pro2792Thr (NM_001144769.5); c.7960C>A, p.Pro2654Thr (NM_001144770.2); c.14731C>A, p.Pro4911Thr (NM_001374722.1); c.14098C>A, p.Pro4700Thr (NM_001374729.1); c.7840C>A, p.Pro2614Thr (NM_001374730.1, NM_001386100.1, NM_183380.4); c.14758C>A, p.Pro4920Thr (NM_001374734.1); c.6862C>A, p.Pro2288Thr (NM_015548.5); short protein forms P2288T, P2614T, P2654T, P2792T, P4700T, P4911T, P4920T.
Identifiers: ClinVar variation 1023993 (VCV001023993.33), dbSNP rs201412680, ClinGen allele CA3867937.
Genomic context (GRCh38, chr6:56,555,750, plus strand): 5'-GGCTATCCCATTTTTGGGTCACAGCTGCCAGTTGCTCTTTCACAATCCCACGTAAAGAAG[G>T]GTCTTCTCCAGGCCTGCTCAGAATGCCCTGACCAGCTGCTGTCAGCTGTTCATATTGAGG-3'
Protein context (NP_001361665.1, residues 4901-4921): QGILSRPGED[Pro4911Thr]SLRGIVKEQL

ClinVar aggregate classification (germline): Uncertain significance. Review status: criteria provided, multiple submitters, no conflicts (2 of 4 stars). 6 submissions from 6 submitters: Uncertain significance (6). Last evaluated 2025-12-12.

Conditions:
DST-related disorder. Also called: DST-related disorders; DST-related condition.
Epidermolysis bullosa simplex 3, localized or generalized intermediate, with BP230 deficiency (EBS3). Also called: Epidermolysis bullosa simplex due to BP230 deficiency; Epidermolysis bullosa simplex, autosomal recessive 2. Identifiers: Orphanet 412181, MedGen C3809470, MONDO:0014180, OMIM 615425.
Hereditary sensory and autonomic neuropathy type 6. Also called: HSAN VI; Neuropathy, hereditary sensory and autonomic, type VI. Identifiers: Orphanet 314381, MedGen C3539003, MONDO:0013839, OMIM 614653.
Inborn genetic diseases. Identifiers: MedGen C0950123, MeSH D030342.

Allele frequency attached by ClinVar (database versions not stated): ESP Exome Variant Server 0.00008; gnomAD exomes 0.00010; TOPMed 0.00012; ExAC 0.00015; gnomAD 0.00017 and 0.00019.
gnomAD v4.1: 165 of 1,603,620 alleles (0.01%); highest among the groups gnomAD compares: Non-Finnish European, 0.012%; 1 homozygote.

Submissions (6):

PreventionGenetics, part of Exact Sciences
Classification: Uncertain significance for DST-related condition. Last evaluated: 2025-12-12. Review status: criteria provided, single submitter. Criteria: ACMG Guidelines, 2015. Collection method: clinical testing. Allele origin: germline.
Comment: The DST c.8374C>A variant is predicted to result in the amino acid substitution p.Pro2792Thr. To our knowledge, this variant has not been reported in the literature. This variant is reported in 0.020% of alleles in individuals of European (non-Finnish) descent in gnomAD, including one homozygote. Although we suspect that this variant may be benign, at this time, the clinical significance of this variant is uncertain due to the absence of conclusive functional and genetic evidence.

CeGaT Center for Human Genetics Tuebingen
Classification: Uncertain significance. Last evaluated: 2024-05-01. Review status: criteria provided, single submitter. Criteria: CeGaT Center For Human Genetics Tuebingen Variant Classification Criteria Version 2. Collection method: clinical testing. Allele origin: germline. Affected: yes. Observed: 1 variant allele.
Comment: DST: PM2, BP4

Labcorp Genetics (formerly Invitae), Labcorp
Classification: Uncertain significance for Epidermolysis bullosa simplex 3, localized or generalized intermediate, with BP230 deficiency; Hereditary sensory and autonomic neuropathy type 6. Last evaluated: 2023-12-19. Review status: criteria provided, single submitter. Criteria: Invitae Variant Classification Sherloc (09022015). Collection method: clinical testing. Allele origin: germline.
Comment: The DST gene has multiple clinically relevant transcripts. This variant occurs in alternate transcript NM_015548.4, and corresponds to NM_001723.5:c.*59767C>A in the primary transcript. This sequence change replaces proline, which is neutral and non-polar, with threonine, which is neutral and polar, at codon 2288 of the DST protein (p.Pro2288Thr). This variant is present in population databases (rs201412680, gnomAD 0.02%). This variant has not been reported in the literature in individuals affected with DST-related conditions. ClinVar contains an entry for this variant (Variation ID: 1023993). Experimental studies and prediction algorithms are not available or were not evaluated, and the functional significance of this variant is currently unknown. In summary, the available evidence is currently insufficient to determine the role of this variant in disease. Therefore, it has been classified as a Variant of Uncertain Significance.

Ambry Genetics
Classification: Uncertain significance for Inborn genetic diseases. Last evaluated: 2022-06-27. Review status: criteria provided, single submitter. Criteria: Ambry Variant Classification Scheme 2023. Collection method: clinical testing. Allele origin: germline.
Comment: The p.P2792T variant (also known as c.8374C>A), located in coding exon 54 of the DST gene, results from a C to A substitution at nucleotide position 8374. The proline at codon 2792 is replaced by threonine, an amino acid with highly similar properties. This amino acid position is not well conserved in available vertebrate species. In addition, this alteration is predicted to be tolerated by in silico analysis. Since supporting evidence is limited at this time, the clinical significance of this alteration remains unclear.

Baylor Genetics
Classification: Uncertain significance for Hereditary sensory and autonomic neuropathy type 6. Last evaluated: 2020-06-02. Review status: criteria provided, single submitter. Criteria: ACMG Guidelines, 2015. Collection method: clinical testing. Allele origin: unknown. Affected: yes.
Comment: This variant was determined to be of uncertain significance according to ACMG Guidelines, 2015 [PMID:25741868].

Mayo Clinic Laboratories, Mayo Clinic
Classification: Uncertain significance. Last evaluated: 2019-10-14. Review status: criteria provided, single submitter. Criteria: ACMG Guidelines, 2015. Collection method: clinical testing. Allele origin: germline.